The following is an entry in ClinVar:

NM_181503.3(EXOSC8):c.815G>C (p.Ser272Thr)

Gene: EXOSC8 (exosome component 8; plus strand). Cytogenetic location: 13q13.3.
Variant type: single nucleotide variant.
Coding change: c.815G>C on transcript NM_181503.3 (MANE Select); coding-DNA position 815, G replaced by C.
Protein change: p.Ser272Thr; replaces serine 272 with threonine.
Molecular consequence: missense variant.
Genome position (GRCh38, 1-based): chr13:37,009,283, G>C. VCF-style: chr13-37009283-G-C. GRCh37 (hg19) VCF-style: chr13-37583420-G-C.
Other names: short protein forms S272T.
Identifiers: ClinVar variation 157608 (VCV000157608.57), dbSNP rs36027220, ClinGen allele CA214512.

ClinVar aggregate classification (germline): Conflicting classifications of pathogenicity. Review status: criteria provided, conflicting classifications (1 of 4 stars). 8 submissions from 8 submitters: Likely pathogenic (1); Uncertain significance (2); Likely benign (4). 1 of the submissions does not count toward it. Last evaluated 2026-01-31.

Conditions:
Pontocerebellar hypoplasia, type 1C. Also called: HYPOMYELINATION WITH SPINAL MUSCULAR ATROPHY AND CEREBELLAR HYPOPLASIA. Identifiers: Orphanet 2254, MedGen C4015160, MONDO:0014485, OMIM 616081.

Allele frequency attached by ClinVar (database versions not stated): gnomAD 0.00400 and 0.00398; ExAC 0.00403; 1000 Genomes Project 0.00220; 1000 Genomes Project 30x 0.00234; TOPMed 0.00367; gnomAD exomes 0.00385; ESP Exome Variant Server 0.00400.
gnomAD v4.1: 8,908 of 1,595,800 alleles (0.56%); highest among the groups gnomAD compares: Non-Finnish European, 0.69%; 37 homozygotes.

Submissions (8):

Labcorp Genetics (formerly Invitae), Labcorp
Classification: Likely benign. Last evaluated: 2026-01-31. Review status: criteria provided, single submitter. Criteria: Invitae Variant Classification Sherloc (09022015). Collection method: clinical testing. Allele origin: germline.

Women's Health and Genetics/Laboratory Corporation of America, LabCorp
Classification: Likely benign. Last evaluated: 2025-05-27. Review status: criteria provided, single submitter. Criteria: LabCorp Variant Classification Summary - May 2015. Collection method: clinical testing. Allele origin: germline.
Comment: Variant summary: EXOSC8 c.815G>C (p.Ser272Thr) results in a conservative amino acid change in the encoded protein sequence. Algorithms developed to predict the effect of missense changes on protein structure and function are either unavailable or do not agree on the potential impact of this missense change. The variant allele was found at a frequency of 0.0039 in 248810 control chromosomes in the gnomAD database, including 2 homozygotes. The observed variant frequency exceeds the estimated maximal expected allele frequency for a pathogenic variant in EXOSC8 causing Pontocerebellar Hypoplasia, Type 1C phenotype. c.815G>C has been observed in individual(s) affected with Pontocerebellar Hypoplasia, Type 1C, Gangliosidosis GM1, neuroinflammation, Microcephaly, without strong evidence for causality and was also reported in unaffected individuals (Boczonadi_2014, Bouhouche_2018, Cavusoglu_2024, Hou_2020, McCreary_2019, Reuter_2018). These report(s) do not provide unequivocal conclusions about association of the variant with Pontocerebellar Hypoplasia, Type 1C. At least one publication reports experimental evidence evaluating an impact on protein function, however, does not allow convincing conclusions about the variant effect (Boczonadi_2014). The following publications have been ascertained in the context of this evaluation (PMID: 24989451, 30581635, 38622473, 31980526, 31664448, 29431110). ClinVar contains an entry for this variant (Variation ID: 157608). Based on the evidence outlined above, the variant was classified as likely benign.

Genomic Medicine Center of Excellence, King Faisal Specialist Hospital and Research Centre
Classification: Uncertain significance for Pontocerebellar hypoplasia, type 1C. Last evaluated: 2024-03-25. Review status: criteria provided, single submitter. Criteria: ACMG Guidelines, 2015. Collection method: research. Allele origin: germline.

CeGaT Center for Human Genetics Tuebingen
Classification: Likely benign. Last evaluated: 2024-03-01. Review status: criteria provided, single submitter. Criteria: CeGaT Center For Human Genetics Tuebingen Variant Classification Criteria Version 2. Collection method: clinical testing. Allele origin: germline. Affected: yes. Observed: 10 variant alleles.
Comment: EXOSC8: BS2

GeneDx
Classification: Likely benign. Last evaluated: 2020-03-06. Review status: criteria provided, single submitter. Criteria: GeneDx Variant Classification Process June 2021. Collection method: clinical testing. Allele origin: germline. Affected: yes.
Comment: This variant is associated with the following publications: (PMID: 27127732, 24989451, 29431110, 30581635, 29758258, 29093021, 31664448, 31980526)

Baylor Genetics
Classification: Uncertain significance for Pontocerebellar hypoplasia, type 1C. Last evaluated: 2019-01-24. Review status: criteria provided, single submitter. Criteria: ACMG Guidelines, 2015. Collection method: clinical testing. Allele origin: paternal. Affected: yes.
Comment: This variant was determined to be of uncertain significance according to ACMG Guidelines, 2015 [PMID:25741868].

Center for Pediatric Genomic Medicine, Children's Mercy Hospital and Clinics
Classification: Likely pathogenic. Last evaluated: 2017-02-07. Review status: criteria provided, single submitter. Criteria: ACMG Guidelines, 2015. Collection method: clinical testing. Allele origin: germline.

OMIM
Classification: Pathogenic for PONTOCEREBELLAR HYPOPLASIA, TYPE 1C. Last evaluated: 2014-07-03. Review status: no assertion criteria provided. Collection method: literature only. Allele origin: germline. Not counted in ClinVar's aggregate classification.

Literature cited by the submitters: PubMed 29431110 (cited by Women's Health and Genetics/Laboratory Corporation of America, LabCorp); PubMed 31980526 (cited by Women's Health and Genetics/Laboratory Corporation of America, LabCorp); PubMed 31664448 (cited by Women's Health and Genetics/Laboratory Corporation of America, LabCorp); PubMed 24989451 (cited by Women's Health and Genetics/Laboratory Corporation of America, LabCorp and OMIM); PubMed 30581635 (cited by Women's Health and Genetics/Laboratory Corporation of America, LabCorp); PubMed 38622473 (cited by Women's Health and Genetics/Laboratory Corporation of America, LabCorp).